The following is an entry in ClinVar:

ClinVar aggregate classification (germline): Conflicting classifications of pathogenicity. Review status: criteria provided, conflicting classifications (1 of 4 stars). 10 submissions from 7 submitters: Uncertain significance (2); Benign (6); Likely benign (1). 1 of the submissions does not count toward it. Last evaluated 2026-01-28.

Conditions:
Retinitis pigmentosa (RP). Identifiers: Orphanet 791, MedGen C0035334, MeSH D012174, MONDO:0019200, OMIM 268000. Inheritance: Autosomal dominant, autosomal recessive and X linked inheritance.
Pigmented paravenous retinochoroidal atrophy. Identifiers: Orphanet 251295, MedGen C1868310, MONDO:0008246, OMIM 172870.
Retinitis pigmentosa 12 (RP12). Also called: RP WITH OR WITHOUT PRESERVED PARAARTERIOLE RETINAL PIGMENT EPITHELIUM; RETINITIS PIGMENTOSA WITH OR WITHOUT PARAARTERIOLAR PRESERVATION OF RETINAL PIGMENT EPITHELIUM; RP WITH OR WITHOUT PPRPE. Identifiers: Orphanet 791, MedGen C1838647, MONDO:0010818, OMIM 600105.
Leber congenital amaurosis 8 (LCA8). Identifiers: Orphanet 65, MedGen C3151202, MONDO:0013453, OMIM 613835.
Leber congenital amaurosis (LCA). Also called: Leber's amaurosis. Identifiers: Orphanet 65, MedGen C0339527, MeSH D057130, MONDO:0018998.

Allele frequency attached by ClinVar (database versions not stated): ESP Exome Variant Server 0.00046; gnomAD 0.00051 and 0.00115; TOPMed 0.00073; gnomAD exomes 0.00176 and 0.00323; ExAC 0.00360; 1000 Genomes Project 0.00379; 1000 Genomes Project 30x 0.00406.
gnomAD v4.1: 2,761 of 1,614,190 alleles (0.17%); highest among the groups gnomAD compares: South Asian, 2.1%; 63 homozygotes.

Submissions (10):

Labcorp Genetics (formerly Invitae), Labcorp
Classification: Benign for Leber congenital amaurosis 8; Retinitis pigmentosa 12. Last evaluated: 2026-01-28. Review status: criteria provided, single submitter. Criteria: Invitae Variant Classification Sherloc (09022015). Collection method: clinical testing. Allele origin: germline.

ARUP Laboratories, Molecular Genetics and Genomics, ARUP Laboratories
Classification: Benign. Last evaluated: 2023-08-07. Review status: criteria provided, single submitter. Criteria: ARUP Molecular Germline Variant Investigation Process 2024. Collection method: clinical testing. Allele origin: germline.

Genome-Nilou Lab
Classification: Benign for Pigmented paravenous retinochoroidal atrophy. Last evaluated: 2021-07-01. Review status: criteria provided, single submitter. Criteria: ACMG Guidelines, 2015. Collection method: clinical testing. Allele origin: germline. Affected: no.

Genome-Nilou Lab
Classification: Benign for Retinitis pigmentosa 12. Last evaluated: 2021-07-01. Review status: criteria provided, single submitter. Criteria: ACMG Guidelines, 2015. Collection method: clinical testing. Allele origin: germline. Affected: no.

Pars Genome Lab
Classification: Likely benign for Leber congenital amaurosis 8. Last evaluated: 2021-05-18. Review status: criteria provided, single submitter. Criteria: ACMG Guidelines, 2015. Collection method: clinical testing. Allele origin: germline. Affected: no.

Illumina Laboratory Services, Illumina
Classification: Benign for Pigmented paravenous retinochoroidal atrophy. Last evaluated: 2018-01-13. Review status: criteria provided, single submitter. Criteria: ICSL Variant Classification Criteria 13 December 2019. Collection method: clinical testing. Allele origin: germline.
Comment: This variant was observed in the ICSL laboratory as part of a predisposition screen in an ostensibly healthy population. It had not been previously curated by ICSL or reported in the Human Gene Mutation Database (HGMD: prior to June 1st, 2018), and was therefore a candidate for classification through an automated scoring system. Utilizing variant allele frequency, disease prevalence and penetrance estimates, and inheritance mode, an automated score was calculated to assess if this variant is too frequent to cause the disease. Based on the score and internal cut-off values, a variant classified as benign is not then subjected to further curation. The score for this variant resulted in a classification of benign for this disease.

Illumina Laboratory Services, Illumina
Classification: Uncertain significance for Leber congenital amaurosis 8. Last evaluated: 2018-01-13. Review status: criteria provided, single submitter. Criteria: ICSL Variant Classification Criteria 13 December 2019. Collection method: clinical testing. Allele origin: germline.

Illumina Laboratory Services, Illumina
Classification: Uncertain significance for Retinitis pigmentosa. Last evaluated: 2018-01-13. Review status: criteria provided, single submitter. Criteria: ICSL Variant Classification Criteria 13 December 2019. Collection method: clinical testing. Allele origin: germline.

Eurofins Ntd Llc (ga)
Classification: Benign. Last evaluated: 2016-09-15. Review status: criteria provided, single submitter. Criteria: EGL Classification Definitions 2015. Collection method: clinical testing. Allele origin: germline. Observed: 2 variant alleles, 2 heterozygotes.

Natera, Inc.
Classification: Benign for Leber congenital amaurosis. Last evaluated: 2020-09-16. Review status: no assertion criteria provided. Collection method: clinical testing. Allele origin: germline. Not counted in ClinVar's aggregate classification.

NM_201253.3(CRB1):c.1533C>T (p.Ala511=)

Gene: CRB1 (crumbs cell polarity complex component 1; plus strand). Cytogenetic location: 1q31.3.
Variant type: single nucleotide variant.
Coding change: c.1533C>T on transcript NM_201253.3 (MANE Select); coding-DNA position 1533, C replaced by T.
Protein change: p.Ala511=; no amino-acid change (alanine 511 retained).
Molecular consequence: synonymous variant. On other transcripts: non-coding transcript variant (2).
Genome position (GRCh38, 1-based): chr1:197,421,361, C>T. VCF-style: chr1-197421361-C-T. GRCh37 (hg19) VCF-style: chr1-197390491-C-T.
Other names: c.1197C>T, p.Ala399= (NM_001193640.2); c.1326C>T, p.Ala442= (NM_001257965.2); c.1533C>T, p.Ala511= (NM_001257966.2).
Identifiers: ClinVar variation 166957 (VCV000166957.32), dbSNP rs142224492, ClinGen allele CA233859.